The following is an entry in ClinVar:

ClinVar aggregate classification (germline): Uncertain significance. Review status: criteria provided, multiple submitters, no conflicts (2 of 4 stars). 3 submissions from 3 submitters: Uncertain significance (3). Last evaluated 2025-07-31.

Conditions:
Inborn genetic diseases. Identifiers: MedGen C0950123, MeSH D030342.

Allele frequency attached by ClinVar (database versions not stated): gnomAD 0.00001; TOPMed 0.00001; ExAC 0.00002; gnomAD exomes 0.00002.
gnomAD v4.1: 8 of 1,613,304 alleles (0.0005%); highest among the groups gnomAD compares: Admixed American, 0.012%; no homozygotes.

Submissions (3):

Ambry Genetics
Classification: Uncertain significance for Inborn genetic diseases. Last evaluated: 2025-07-31. Review status: criteria provided, single submitter. Criteria: Ambry Variant Classification Scheme 2023. Collection method: clinical testing. Allele origin: germline.

Labcorp Genetics (formerly Invitae), Labcorp
Classification: Uncertain significance. Last evaluated: 2023-09-12. Review status: criteria provided, single submitter. Criteria: Invitae Variant Classification Sherloc (09022015). Collection method: clinical testing. Allele origin: germline.
Comment: In summary, the available evidence is currently insufficient to determine the role of this variant in disease. Therefore, it has been classified as a Variant of Uncertain Significance. This sequence change replaces alanine, which is neutral and non-polar, with threonine, which is neutral and polar, at codon 1394 of the SPTBN2 protein (p.Ala1394Thr). This variant is present in population databases (rs775970942, gnomAD 0.01%). This variant has not been reported in the literature in individuals affected with SPTBN2-related conditions. ClinVar contains an entry for this variant (Variation ID: 1504836). Advanced modeling of protein sequence and biophysical properties (such as structural, functional, and spatial information, amino acid conservation, physicochemical variation, residue mobility, and thermodynamic stability) performed at Invitae indicates that this missense variant is not expected to disrupt SPTBN2 protein function.

GeneDx
Classification: Uncertain significance. Last evaluated: 2023-07-25. Review status: criteria provided, single submitter. Criteria: GeneDx Variant Classification Process June 2021. Collection method: clinical testing. Allele origin: germline. Affected: yes.
Comment: In silico analysis supports that this missense variant does not alter protein structure/function; Has not been previously published as pathogenic or benign to our knowledge

NM_006946.4(SPTBN2):c.4180G>A (p.Ala1394Thr)

Gene: SPTBN2 (spectrin beta, non-erythrocytic 2; minus strand). Cytogenetic location: 11q13.2.
Variant type: single nucleotide variant.
Coding change: c.4180G>A on transcript NM_006946.4 (MANE Select); coding-DNA position 4180, G replaced by A.
Protein change: p.Ala1394Thr; replaces alanine 1394 with threonine.
Molecular consequence: missense variant.
Genome position (GRCh38, 1-based): chr11:66,696,375, C>T on the plus strand (G>A on the coding strand, the complement: SPTBN2 is on the minus strand). VCF-style: chr11-66696375-C-T. GRCh37 (hg19) VCF-style: chr11-66463846-C-T.
Other names: c.4180G>A (NM_006946.2); short protein forms A1394T.
Identifiers: ClinVar variation 1504836 (VCV001504836.9), dbSNP rs775970942, ClinGen allele CA6128649.